The following is an entry in ClinVar:

NM_000780.4(CYP7A1):c.419C>T (p.Ser140Phe)

Gene: CYP7A1 (cytochrome P450 family 7 subfamily A member 1; minus strand). Cytogenetic location: 8q12.1.
Variant type: single nucleotide variant.
Coding change: c.419C>T on transcript NM_000780.4 (MANE Select); coding-DNA position 419, C replaced by T.
Protein change: p.Ser140Phe; replaces serine 140 with phenylalanine.
Molecular consequence: missense variant.
Genome position (GRCh38, 1-based): chr8:58,497,093, G>A on the plus strand (C>T on the coding strand, the complement: CYP7A1 is on the minus strand). VCF-style: chr8-58497093-G-A. GRCh37 (hg19) VCF-style: chr8-59409652-G-A.
Other names: short protein forms S140F.
Identifiers: ClinVar variation 4702818 (VCV004702818.1).
Genomic context (GRCh38, chr8:58,497,093, plus strand): 5'-TTAGAGGAGACTGGAGGTCTCATGATACGTTGGAGGTTTTCCATCATGCTTTCCGTGAGG[G>A]AATTCAAGGCATGGCCCTGCAGGGTTTTGATGAAAGTGTCGTTTATGTTTTCAGTGGTAT-3'
Protein context (NP_000771.2, residues 130-150): IKTLQGHALN[Ser140Phe]LTESMMENLQ

ClinVar aggregate classification (germline): Uncertain significance (1 of 4 stars; one submission).

Submission:

Labcorp Genetics (formerly Invitae), Labcorp
Classification: Uncertain significance. Last evaluated: 2025-03-07. Review status: criteria provided, single submitter. Criteria: Invitae Variant Classification Sherloc (09022015). Collection method: clinical testing. Allele origin: germline.
Comment: This sequence change replaces serine, which is neutral and polar, with phenylalanine, which is neutral and non-polar, at codon 140 of the CYP7A1 protein (p.Ser140Phe). This variant is not present in population databases (gnomAD no frequency). This variant has not been reported in the literature in individuals affected with CYP7A1-related conditions. Invitae Evidence Modeling of protein sequence and biophysical properties (such as structural, functional, and spatial information, amino acid conservation, physicochemical variation, residue mobility, and thermodynamic stability) indicates that this missense variant is not expected to disrupt CYP7A1 protein function with a negative predictive value of 80%. In summary, the available evidence is currently insufficient to determine the role of this variant in disease. Therefore, it has been classified as a Variant of Uncertain Significance.